The following is an entry in ClinVar:

ClinVar aggregate classification (germline): Uncertain significance (1 of 4 stars; one submission).

Submission:

Dasa
Classification: Uncertain significance. Last evaluated: 2025-12-26. Review status: criteria provided, single submitter. Criteria: DASA Assertion Criteria. Collection method: clinical testing. Allele origin: germline.
Comment: NM_003738.5(PTCH2):c.2423A>G (p.His808Arg) is a missense variant that results in the substitution of histidine with arginine. This variant is rare in population databases. Computational prediction algorithms are consistent with a benign effect. The currently available literature and clinical evidence are not sufficient to establish a definitive association between this variant and the reported condition. Therefore, this variant is classified as a variant of uncertain significance.

NM_003738.5(PTCH2):c.2423A>G (p.His808Arg)

Gene: PTCH2 (patched 2; minus strand). Cytogenetic location: 1p34.1.
Variant type: single nucleotide variant.
Coding change: c.2423A>G on transcript NM_003738.5 (MANE Select); coding-DNA position 2423, A replaced by G.
Protein change: p.His808Arg; replaces histidine 808 with arginine.
Molecular consequence: missense variant.
Genome position (GRCh38, 1-based): chr1:44,827,258, T>C on the plus strand (A>G on the coding strand, the complement: PTCH2 is on the minus strand). VCF-style: chr1-44827258-T-C. GRCh37 (hg19) VCF-style: chr1-45292930-T-C.
Other names: c.2423A>G, p.His808Arg (NM_001166292.2); short protein forms H808R.
Identifiers: ClinVar variation 4885252 (VCV004885252.2).